The following is an entry in ClinVar:

ClinVar aggregate classification (germline): Uncertain significance. Review status: criteria provided, multiple submitters, no conflicts (2 of 4 stars). 2 submissions from 2 submitters: Uncertain significance (2). Last evaluated 2026-07-20.

Conditions:
Colorectal cancer, hereditary nonpolyposis, type 7. Identifiers: Orphanet 144, MedGen C1858380, MONDO:0013725, OMIM 614385.

Submissions (2):

Ambry Genetics
Classification: Uncertain significance. Last evaluated: 2026-07-20. Review status: criteria provided, single submitter. Criteria: Ambry Variant Classification Scheme 2023. Collection method: clinical testing. Allele origin: germline.
Comment: The c.1792_1794delTAT variant (also known as p.Y598del) is located in coding exon 1 of the MLH3 gene. This variant results from an in-frame TAT deletion at nucleotide positions 1792 to 1794. This results in the in-frame deletion of a tyrosine at codon 598. This amino acid position is not well conserved in available vertebrate species. In addition, the in silico prediction for this variant is inconclusive (Choi Y et al. PLoS ONE. 2012; 7(10):e46688). Based on the available evidence, the clinical significance of this variant remains unclear.

Labcorp Genetics (formerly Invitae), Labcorp
Classification: Uncertain significance for Colorectal cancer, hereditary nonpolyposis, type 7. Last evaluated: 2024-04-22. Review status: criteria provided, single submitter. Criteria: Invitae Variant Classification Sherloc (09022015). Collection method: clinical testing. Allele origin: germline.
Comment: This variant, c.1792_1794del, results in the deletion of 1 amino acid(s) of the MLH3 protein (p.Tyr598del), but otherwise preserves the integrity of the reading frame. This variant is present in population databases (rs758459734, gnomAD 0.0009%). This variant has not been reported in the literature in individuals affected with MLH3-related conditions. ClinVar contains an entry for this variant (Variation ID: 544273). Experimental studies and prediction algorithms are not available or were not evaluated, and the functional significance of this variant is currently unknown. In summary, the available evidence is currently insufficient to determine the role of this variant in disease. Therefore, it has been classified as a Variant of Uncertain Significance.

NM_001040108.2(MLH3):c.1792_1794del (p.Tyr598del)

Gene: MLH3 (mutL homolog 3; minus strand). Cytogenetic location: 14q24.3.
Variant type: Deletion.
Coding change: c.1792_1794del on transcript NM_001040108.2 (MANE Select); coding-DNA positions 1792 to 1794, 3 bases deleted (TAT; older notation c.1792_1794delTAT).
Protein change: p.Tyr598del; deletes tyrosine 598.
Molecular consequence: inframe deletion.
Genome position (GRCh38, 1-based): chr14:75,047,862-75,047,864, ATA deleted on the plus strand (TAT on the coding strand, the reverse complement: MLH3 is on the minus strand); deleting any 3 consecutive bases within chr14:75,047,862-75,047,865 gives the same sequence; the c. name uses the placement nearest the transcript's 3' end. VCF-style (leftmost placement, unchanged base first): chr14-75047861-CATA-C. GRCh37 (hg19) VCF-style: chr14-75514564-CATA-C.
Other names: c.1792_1794delTAT (NM_001040108.1); c.1792_1794del, p.Tyr598del (NM_014381.3); short protein forms Y598del.
Identifiers: ClinVar variation 544273 (VCV000544273.9), dbSNP rs758459734, ClinGen allele CA7275816.